The following is an entry in ClinVar:

NM_002519.3(NPAT):c.430T>A (p.Ser144Thr)

Gene: NPAT (nuclear protein, coactivator of histone transcription; minus strand). Cytogenetic location: 11q22.3.
Variant type: single nucleotide variant.
Coding change: c.430T>A on transcript NM_002519.3 (MANE Select); coding-DNA position 430, T replaced by A.
Protein change: p.Ser144Thr; replaces serine 144 with threonine.
Molecular consequence: missense variant.
Genome position (GRCh38, 1-based): chr11:108,189,232, A>T on the plus strand (T>A on the coding strand, the complement: NPAT is on the minus strand). VCF-style: chr11-108189232-A-T. GRCh37 (hg19) VCF-style: chr11-108059959-A-T.
Other names: c.430T>A, p.Ser144Thr (NM_001321307.1); short protein forms S144T.
Identifiers: ClinVar variation 3300699 (VCV003300699.1).

ClinVar aggregate classification (germline): Uncertain significance (1 of 4 stars; one submission).

Submission:

Ambry Genetics
Classification: Uncertain significance. Last evaluated: 2024-05-24. Review status: criteria provided, single submitter. Criteria: Ambry Variant Classification Scheme 2023. Collection method: clinical testing. Allele origin: germline.
Comment: The p.S144T variant (also known as c.430T>A), located in coding exon 6 of the NPAT gene, results from a T to A substitution at nucleotide position 430. The serine at codon 144 is replaced by threonine, an amino acid with similar properties. This amino acid position is conserved. In addition, this alteration is predicted to be tolerated by in silico analysis. Based on the available evidence, the clinical significance of this variant remains unclear.